The following is an entry in ClinVar:

NM_000384.3(APOB):c.8174C>T (p.Thr2725Ile)

Gene: APOB (apolipoprotein B; minus strand). Cytogenetic location: 2p24.1.
Variant type: single nucleotide variant.
Coding change: c.8174C>T on transcript NM_000384.3 (MANE Select); coding-DNA position 8174, C replaced by T.
Protein change: p.Thr2725Ile; replaces threonine 2725 with isoleucine.
Molecular consequence: missense variant.
Genome position (GRCh38, 1-based): chr2:21,008,694, G>A on the plus strand (C>T on the coding strand, the complement: APOB is on the minus strand). VCF-style: chr2-21008694-G-A. GRCh37 (hg19) VCF-style: chr2-21231566-G-A.
Other names: short protein forms T2725I.
Identifiers: ClinVar variation 4125102 (VCV004125102.1).
Genomic context (GRCh38, chr2:21,008,694, plus strand): 5'-TGGGGAAGCTGGAATTCTGGTATGTGAAGGTCAGGAACTTGAAAATCATTAAGGTTGAGA[G>A]TTGGGATTATGAATTCTGGAATTGCGATTTCTGGTAAACGGAAGTCTGGCAGGGTGATTC-3'
Protein context (NP_000375.3, residues 2715-2735): EIAIPEFIIP[Thr2725Ile]LNLNDFQVPD

ClinVar aggregate classification (germline): Uncertain significance (1 of 4 stars; one submission).

Conditions:
Cardiovascular phenotype. Identifiers: MedGen CN230736.

Submission:

Ambry Genetics
Classification: Uncertain significance for Cardiovascular phenotype. Last evaluated: 2025-07-28. Review status: criteria provided, single submitter. Criteria: Ambry Variant Classification Scheme 2023. Collection method: clinical testing. Allele origin: germline.
Comment: The p.T2725I variant (also known as c.8174C>T), located in coding exon 26 of the APOB gene, results from a C to T substitution at nucleotide position 8174. The threonine at codon 2725 is replaced by isoleucine, an amino acid with similar properties. This amino acid position is conserved. In addition, this alteration is predicted to be tolerated by in silico analysis. Based on the available evidence, the clinical significance of this variant remains unclear.